The following is an entry in ClinVar:

NM_145064.3(STAC3):c.347T>G (p.Phe116Cys)

Gene: STAC3 (SH3 and cysteine rich domain 3; minus strand). Cytogenetic location: 12q13.3.
Variant type: single nucleotide variant.
Coding change: c.347T>G on transcript NM_145064.3 (MANE Select); coding-DNA position 347, T replaced by G.
Protein change: p.Phe116Cys; replaces phenylalanine 116 with cysteine.
Molecular consequence: missense variant. On other transcripts: intron variant (1).
Genome position (GRCh38, 1-based): chr12:57,248,791, A>C on the plus strand (T>G on the coding strand, the complement: STAC3 is on the minus strand). VCF-style: chr12-57248791-A-C. GRCh37 (hg19) VCF-style: chr12-57642574-A-C.
Other names: c.230T>G, p.Phe77Cys (NM_001286256.2); c.-126-593T>G (NM_001286257.2); short protein forms F116C, F77C.
Identifiers: ClinVar variation 568539 (VCV000568539.9), dbSNP rs1565783065, ClinGen allele CA385416241.

ClinVar aggregate classification (germline): Uncertain significance (1 of 4 stars; one submission).

Conditions:
Bailey-Bloch congenital myopathy (CMYO13). Also called: Native American myopathy; Congenital myopathy 13; STAC3 disorder. Identifiers: Orphanet 168572, MedGen C1850625, MONDO:0009722, OMIM 255995.

Submission:

Labcorp Genetics (formerly Invitae), Labcorp
Classification: Uncertain significance for Bailey-Bloch congenital myopathy. Last evaluated: 2022-06-28. Review status: criteria provided, single submitter. Criteria: Invitae Variant Classification Sherloc (09022015). Collection method: clinical testing. Allele origin: germline.
Comment: This sequence change replaces phenylalanine, which is neutral and non-polar, with cysteine, which is neutral and slightly polar, at codon 116 of the STAC3 protein (p.Phe116Cys). This variant is not present in population databases (gnomAD no frequency). This variant has not been reported in the literature in individuals affected with STAC3-related conditions. ClinVar contains an entry for this variant (Variation ID: 568539). Algorithms developed to predict the effect of missense changes on protein structure and function are either unavailable or do not agree on the potential impact of this missense change (SIFT: "Deleterious"; PolyPhen-2: "Probably Damaging"; Align-GVGD: "Class C15"). In summary, the available evidence is currently insufficient to determine the role of this variant in disease. Therefore, it has been classified as a Variant of Uncertain Significance.